The following is an entry in ClinVar:

NM_021101.5(CLDN1):c.147G>A (p.Gly49=)

Genes: CLDN16 (claudin 16; plus strand), CLDN1 (claudin 1; minus strand). Cytogenetic location: 3q28.
Variant type: single nucleotide variant.
Coding change: c.147G>A on transcript NM_021101.5 (MANE Select); coding-DNA position 147, G replaced by A.
Protein change: p.Gly49=; no amino-acid change (glycine 49 retained).
Molecular consequence: synonymous variant.
Genome position (GRCh38, 1-based): chr3:190,322,060, C>T on the plus strand (G>A on the coding strand, the complement: CLDN1 is on the minus strand). VCF-style: chr3-190322060-C-T. GRCh37 (hg19) VCF-style: chr3-190039849-C-T.
Other names: p.Gly49=.
Identifiers: ClinVar variation 285502 (VCV000285502.15), dbSNP rs142242567, ClinGen allele CA2753623.

ClinVar aggregate classification (germline): Benign. Review status: criteria provided, multiple submitters, no conflicts (2 of 4 stars). 4 submissions from 4 submitters: Benign (4). Last evaluated 2026-01-15.

Allele frequency attached by ClinVar (database versions not stated): gnomAD exomes 0.00626 and 0.00412; ExAC 0.00710; 1000 Genomes Project 30x 0.00718; 1000 Genomes Project 0.00779; ESP Exome Variant Server 0.00177; gnomAD 0.00206 and 0.00307; TOPMed 0.00236.
gnomAD v4.1: 6,541 of 1,614,206 alleles (0.41%); highest among the groups gnomAD compares: South Asian, 3.3%; 84 homozygotes.

Submissions (4):

Labcorp Genetics (formerly Invitae), Labcorp
Classification: Benign. Last evaluated: 2026-01-15. Review status: criteria provided, single submitter. Criteria: Invitae Variant Classification Sherloc (09022015). Collection method: clinical testing. Allele origin: germline.

Mayo Clinic Laboratories, Mayo Clinic
Classification: Benign. Last evaluated: 2022-03-28. Review status: criteria provided, single submitter. Criteria: ACMG Guidelines, 2015. Collection method: clinical testing. Allele origin: germline. Observed: 4 variant alleles.
Comment: BA1, BP4, BP7

Eurofins Ntd Llc (ga)
Classification: Benign. Last evaluated: 2015-12-22. Review status: criteria provided, single submitter. Criteria: EGL Classification Definitions 2015. Collection method: clinical testing. Allele origin: germline. Observed: 1 variant allele, 1 heterozygote.

Breakthrough Genomics
Classification: Benign. Review status: criteria provided, single submitter. Criteria: ACMG Guidelines, 2015. Collection method: not provided. Allele origin: germline. Inheritance: Autosomal recessive inheritance. Affected: yes.